The following is an entry in ClinVar:

ClinVar aggregate classification (germline): Uncertain significance (1 of 4 stars; one submission).

Conditions:
Niemann-Pick disease, type C1. Also called: NIEMANN-PICK DISEASE, VARIANT TYPE C1; NEUROVISCERAL STORAGE DISEASE WITH VERTICAL SUPRANUCLEAR OPHTHALMOPLEGIA; NIEMANN-PICK DISEASE WITH CHOLESTEROL ESTERIFICATION BLOCK; NIEMANN-PICK DISEASE WITHOUT SPHINGOMYELINASE DEFICIENCY; NIEMANN-PICK DISEASE, CHRONIC NEURONOPATHIC FORM. Identifiers: Orphanet 646, MedGen C3179455, MONDO:0009757, OMIM 257220.

Submission:

Labcorp Genetics (formerly Invitae), Labcorp
Classification: Uncertain significance for Niemann-Pick disease, type C1. Last evaluated: 2024-09-06. Review status: criteria provided, single submitter. Criteria: Invitae Variant Classification Sherloc (09022015). Collection method: clinical testing. Allele origin: germline.
Comment: This sequence change replaces isoleucine, which is neutral and non-polar, with valine, which is neutral and non-polar, at codon 1095 of the NPC1 protein (p.Ile1095Val). This variant is not present in population databases (gnomAD no frequency). This variant has not been reported in the literature in individuals affected with NPC1-related conditions. ClinVar contains an entry for this variant (Variation ID: 1484931). Invitae Evidence Modeling of protein sequence and biophysical properties (such as structural, functional, and spatial information, amino acid conservation, physicochemical variation, residue mobility, and thermodynamic stability) indicates that this missense variant is not expected to disrupt NPC1 protein function with a negative predictive value of 95%. In summary, the available evidence is currently insufficient to determine the role of this variant in disease. Therefore, it has been classified as a Variant of Uncertain Significance.

NM_000271.5(NPC1):c.3283A>G (p.Ile1095Val)

Gene: NPC1 (NPC intracellular cholesterol transporter 1; minus strand). Cytogenetic location: 18q11.2.
Variant type: single nucleotide variant.
Coding change: c.3283A>G on transcript NM_000271.5 (MANE Select); coding-DNA position 3283, A replaced by G.
Protein change: p.Ile1095Val; replaces isoleucine 1095 with valine.
Molecular consequence: missense variant.
Genome position (GRCh38, 1-based): chr18:23,535,663, T>C on the plus strand (A>G on the coding strand, the complement: NPC1 is on the minus strand). VCF-style: chr18-23535663-T-C. GRCh37 (hg19) VCF-style: chr18-21115627-T-C.
Other names: short protein forms I1095V.
Identifiers: ClinVar variation 1484931 (VCV001484931.6), dbSNP rs2145351761, ClinGen allele CA401791529.